The following is an entry in ClinVar:

ClinVar aggregate classification (germline): Uncertain significance. Review status: criteria provided, multiple submitters, no conflicts (2 of 4 stars). 2 submissions from 2 submitters: Uncertain significance (2). Last evaluated 2024-12-03.

Conditions:
Autosomal dominant epilepsy with auditory features. Identifiers: Orphanet 101046, MedGen C1838062, MONDO:0010898.

Allele frequency attached by ClinVar (database versions not stated): gnomAD exomes below 0.00001.
gnomAD v4.1: 2 of 1,613,614 alleles (0.00012%); highest among the groups gnomAD compares: Non-Finnish European, 0.00017%; no homozygotes.

Submissions (2):

Revvity Omics, Revvity
Classification: Uncertain significance. Last evaluated: 2024-12-03. Review status: criteria provided, single submitter. Criteria: ACMG Guidelines, 2015. Collection method: clinical testing. Allele origin: germline.

Labcorp Genetics (formerly Invitae), Labcorp
Classification: Uncertain significance for Autosomal dominant epilepsy with auditory features. Last evaluated: 2024-03-09. Review status: criteria provided, single submitter. Criteria: Invitae Variant Classification Sherloc (09022015). Collection method: clinical testing. Allele origin: germline.
Comment: This sequence change replaces valine, which is neutral and non-polar, with isoleucine, which is neutral and non-polar, at codon 285 of the LGI1 protein (p.Val285Ile). This variant is not present in population databases (gnomAD no frequency). This variant has not been reported in the literature in individuals affected with LGI1-related conditions. ClinVar contains an entry for this variant (Variation ID: 1388228). Advanced modeling of protein sequence and biophysical properties (such as structural, functional, and spatial information, amino acid conservation, physicochemical variation, residue mobility, and thermodynamic stability) performed at Invitae indicates that this missense variant is not expected to disrupt LGI1 protein function with a negative predictive value of 80%. In summary, the available evidence is currently insufficient to determine the role of this variant in disease. Therefore, it has been classified as a Variant of Uncertain Significance.

NM_005097.4(LGI1):c.853G>A (p.Val285Ile)

Gene: LGI1 (leucine rich glioma inactivated 1; plus strand). Cytogenetic location: 10q23.33.
Variant type: single nucleotide variant.
Coding change: c.853G>A on transcript NM_005097.4 (MANE Select); coding-DNA position 853, G replaced by A.
Protein change: p.Val285Ile; replaces valine 285 with isoleucine.
Molecular consequence: missense variant. On other transcripts: non-coding transcript variant (1), intron variant (1).
Genome position (GRCh38, 1-based): chr10:93,796,982, G>A. VCF-style: chr10-93796982-G-A. GRCh37 (hg19) VCF-style: chr10-95556739-G-A.
Other names: c.709G>A, p.Val237Ile (NM_001308276.2); c.839-767G>A (NM_001308275.2); short protein forms V237I, V285I.
Identifiers: ClinVar variation 1388228 (VCV001388228.9), dbSNP rs944813713, ClinGen allele CA377626164.
Genomic context (GRCh38, chr10:93,796,982, plus strand): 5'-AAAAGAGGATGGCCACACAACTAATCTCTCCTTTGTCTTTTCCCAGGCACATCCACTGTA[G>A]TATGCAAGCCTATAGTCATTGAAACTCAGCTCTATGTTATTGTGGCCCAGCTGTTTGGTG-3'
Protein context (NP_005088.1, residues 275-295): YDNITGTSTV[Val285Ile]CKPIVIETQL